The following is an entry in ClinVar:

NM_000996.4(RPL35A):c.125A>G (p.Tyr42Cys)

Genes: DRC9 (dynein regulatory complex subunit 9; minus strand), RPL35A (ribosomal protein L35a; plus strand). Cytogenetic location: 3q29.
Variant type: single nucleotide variant.
Coding change: c.125A>G on transcript NM_000996.4 (MANE Select); coding-DNA position 125, A replaced by G.
Protein change: p.Tyr42Cys; replaces tyrosine 42 with cysteine.
Molecular consequence: missense variant. On other transcripts: intron variant (3).
Genome position (GRCh38, 1-based): chr3:197,951,272, A>G. VCF-style: chr3-197951272-A-G. GRCh37 (hg19) VCF-style: chr3-197678143-A-G.
Other names: c.-59-5586T>C (NM_032263.5); c.-374-5586T>C (NM_001323029.2); c.125A>G, p.Tyr42Cys (NM_001316311.2); c.-49-7221T>C (NM_001323028.2); short protein forms Y42C.
Identifiers: ClinVar variation 1723464 (VCV001723464.29), dbSNP rs2530415049, ClinGen allele CA355902753.

ClinVar aggregate classification (germline): Conflicting classifications of pathogenicity. Review status: criteria provided, conflicting classifications (1 of 4 stars). 4 submissions from 4 submitters: Likely pathogenic (3); Uncertain significance (1). Last evaluated 2024-01-01.

Conditions:
Diamond-Blackfan anemia. Also called: Red cell aplasia, pure hereditary; Congenital hypoplastic anemia; Blackfan Diamond syndrome; Aregenerative anemia chronic congenital; Aase syndrome. Identifiers: Orphanet 124, MedGen C1260899, MeSH D029503, MONDO:0015253, HP:0004810.
Diamond-Blackfan anemia 5 (DBA5). Also called: RPL35A-Related Diamond-Blackfan Anemia. Identifiers: Orphanet 124, MedGen C2675859, MONDO:0012925, OMIM 612528.

Submissions (4):

CeGaT Center for Human Genetics Tuebingen
Classification: Likely pathogenic. Last evaluated: 2024-01-01. Review status: criteria provided, single submitter. Criteria: CeGaT Center For Human Genetics Tuebingen Variant Classification Criteria Version 2. Collection method: clinical testing. Allele origin: germline. Affected: yes. Observed: 1 variant allele.
Comment: RPL35A: PM2, PM6, PS4:Moderate, PP3

Labcorp Genetics (formerly Invitae), Labcorp
Classification: Uncertain significance for Diamond-Blackfan anemia 5. Last evaluated: 2023-02-11. Review status: criteria provided, single submitter. Criteria: Invitae Variant Classification Sherloc (09022015). Collection method: clinical testing. Allele origin: germline.
Comment: In summary, the available evidence is currently insufficient to determine the role of this variant in disease. Therefore, it has been classified as a Variant of Uncertain Significance. Algorithms developed to predict the effect of missense changes on protein structure and function (SIFT, PolyPhen-2, Align-GVGD) all suggest that this variant is likely to be disruptive. ClinVar contains an entry for this variant (Variation ID: 1723464). This missense change has been observed in individual(s) with RPL35A-related condition (PMID: 25424902, 29146883). This variant is not present in population databases (gnomAD no frequency). This sequence change replaces tyrosine, which is neutral and polar, with cysteine, which is neutral and slightly polar, at codon 42 of the RPL35A protein (p.Tyr42Cys).

GeneDx
Classification: Likely pathogenic. Last evaluated: 2022-05-10. Review status: criteria provided, single submitter. Criteria: GeneDx Variant Classification Process June 2021. Collection method: clinical testing. Allele origin: germline. Affected: yes.
Comment: Not observed at significant frequency in large population cohorts (gnomAD); In silico analysis supports that this missense variant has a deleterious effect on protein structure/function; This variant is associated with the following publications: (PMID: 25424902, 32241839, 29146883)

Ambry Genetics
Classification: Likely pathogenic for Diamond-Blackfan anemia. Last evaluated: 2015-04-23. Review status: criteria provided, single submitter. Criteria: Ambry Variant Classification Scheme 2023. Collection method: clinical testing. Allele origin: germline.
Comment: The p.Y42C variant (also known as c.125A>G), located in coding exon 2 of the RPL35a gene, results from an A to G substitution at nucleotide position 125. The tyrosine at codon 42 is replaced by cysteine, an amino acid with highly dissimilar properties. This variant was identified in two unrelated individuals with Diamond Blackfan anemia; the variant was not carried by their unaffected parents and considered to be likely de novo in the two probands (Wang R et al. Br J Haematol. 2015;168(6):854-64). This variant was not reported in population based cohorts in the following databases: Database of Single Nucleotide Polymorphisms (dbSNP), NHLBI Exome Sequencing Project (ESP), and 1000 Genomes Project. In the ESP, this variant was not observed in 6503 samples (13006 alleles) with coverage at this position. This amino acid position is highly conserved in available vertebrate species. In addition, this alteration is predicted to be deleterious by in silico analysis. Based on the majority of available evidence to date, this variant is likely to be pathogenic.

Literature cited by the submitters: PubMed 25424902 (cited by Labcorp Genetics (formerly Invitae), Labcorp and Ambry Genetics); PubMed 29146883 (cited by Labcorp Genetics (formerly Invitae), Labcorp).